The following is an entry in ClinVar:

NM_001130987.2(DYSF):c.6313G>A (p.Ala2105Thr)

Gene: DYSF (dysferlin; plus strand). Cytogenetic location: 2p13.2.
Variant type: single nucleotide variant.
Coding change: c.6313G>A on transcript NM_001130987.2 (MANE Select); coding-DNA position 6313, G replaced by A.
Protein change: p.Ala2105Thr; replaces alanine 2105 with threonine.
Molecular consequence: missense variant.
Genome position (GRCh38, 1-based): chr2:71,682,669, G>A. VCF-style: chr2-71682669-G-A. GRCh37 (hg19) VCF-style: chr2-71909799-G-A.
Other names: NM_001130987.2(DYSF):c.6313G>A; p.Ala2105Thr; c.6199G>A, p.Ala2067Thr (NM_001130455.2); c.6154G>A, p.Ala2052Thr (NM_001130976.2); c.6217G>A, p.Ala2073Thr (NM_001130977.2); c.6259G>A, p.Ala2087Thr (NM_001130978.2); c.6289G>A, p.Ala2097Thr (NM_001130979.2); c.6247G>A, p.Ala2083Thr (NM_001130980.2); and 7 more; short protein forms A2105T, A2066T, A2053T, A2083T, A2088T, A2052T, A2073T, A2074T.
Identifiers: ClinVar variation 557110 (VCV000557110.33), dbSNP rs746663568, ClinGen allele CA1707668.
Genomic context (GRCh38, chr2:71,682,669, plus strand): 5'-GCCATCATCCTCTTCATCATCCTCTTCATCCTGCTGCTGTTCCTGGCCATCTTCATCTAC[G>A]CCTTCCCGGTGAGCAGGCCTGACGACACTGTGGTGGGGGAACTCTGGGTCTAATGGGGGA-3'
Protein context (NP_001124459.1, residues 2095-2115): LLLFLAIFIY[Ala2105Thr]FPNYAAMKLV

ClinVar aggregate classification (germline): Pathogenic. Review status: reviewed by expert panel (3 of 4 stars). 9 submissions from 9 submitters: Pathogenic (1). 8 of the submissions do not count toward it. Last evaluated 2025-07-29.

Conditions:
Neuromuscular disease caused by qualitative or quantitative defects of dysferlin. Also called: Dysferlinopathy; Qualitative or quantitative defects of dysferlin. Identifiers: Orphanet 207073, MedGen C2931687, MONDO:0016145.
Autosomal recessive limb-girdle muscular dystrophy type 2B (LGMDR2). Also called: Limb-Girdle Muscular Dystrophy Type 2B (LGMD2B); MUSCULAR DYSTROPHY, LIMB-GIRDLE, TYPE 3; Limb-girdle muscular dystrophy, type 2B; MUSCULAR DYSTROPHY, LIMB-GIRDLE, AUTOSOMAL RECESSIVE 2. Identifiers: Orphanet 268, MedGen C1850889, MONDO:0009676, OMIM 253601.
Miyoshi muscular dystrophy 1 (MMD1). Identifiers: Orphanet 45448, MedGen C4551973, MONDO:0024545, OMIM 254130.
Autosomal recessive limb-girdle muscular dystrophy. Identifiers: Orphanet 102015, MedGen C2931907, MONDO:0015152.

Allele frequency attached by ClinVar (database versions not stated): ExAC 0.00001; gnomAD exomes 0.00001; TOPMed 0.00001.
gnomAD v4.1: 13 of 1,613,858 alleles (0.00081%); highest among the groups gnomAD compares: Middle Eastern, 0.016%; no homozygotes.

Submissions (9):

ClinGen Limb Girdle Muscular Dystrophy Variant Curation Expert Panel, ClinGen
Classification: Pathogenic for Autosomal recessive limb-girdle muscular dystrophy. Last evaluated: 2025-07-29. Review status: reviewed by expert panel. Criteria: ClinGen LGMD VCEP ACMG Specifications DYSF V1.0.0. Collection method: curation. Allele origin: germline. Inheritance: Autosomal recessive inheritance.
Comment: The NM_003494.4: c.6196G>A variant in DYSF, which is also known as NM_001130987.2: c.6313G>A p.(Ala2105Thr), is a missense variant predicted to cause substitution of alanine by threonine at amino acid 2066, p.(Ala2066Thr). This variant has been identified in at least eight individuals with features consistent with LGMD (PMID: 36983702, 21522182, 27066573, 32528171, 32400077, 34559919, 38057384, 35047756, 30028523), including in a homozygous state without reported familial consanguinity in two seemingly unrelated Italian patients (0.5 pts x2, PMID: 30028523, 21522182) and confirmed in trans with a pathogenic variant in two cases (NM_003494.4: c.5022del p.(Phe1674LeufsTer48), 1.0 pt, PMID: 36983702; NM_003494.4: c.4228C>T p.(Gln1410Ter), 1.0 pt, PMID: 35047756). It has also been reported in unconfirmed phase with a pathogenic variant in one case (NM_003494.4: c.857T>A p.(Val286Glu), 0.5 pts, PMID: 32528171, MYO-SEQ internal data communication) and with a variant independently classified as likely pathogenic in two cases (NM_003494.4: c.5900del p.(Gly1967AlafsTer6), 0.25 pts, PMID: 27066573; NM_003494.4: c.4609del p.(Glu1537LysfsTer5), 0.25 pts, PMID: 34559919, LOVD Individual #00375983) (PM3_Very Strong). At least one patient with this variant had a clinical suspicion of LGMD and severely reduced dysferlin protein expression, which is highly specific for DYSF-related LGMD (PP4_Strong; PMID: 21522182). The filtering allele frequency of this variant is 0.000015431 (the upper threshold of the 95% CI of 11/1179930 European (non-Finnish) exome chromosomes) in gnomAD v4.1.0, which is less than the ClinGen LGMD VCEP threshold (≤0.0001) (PM2_Supporting). Immunofluorescence and 2-A assays of dysferlin membrane localization in HEK293T cells showed that the Ala2066Thr protein reached the cell membrane, indicating no significant impact on this aspect of protein function (PMID: 35028538). The computational predictor REVEL gives a score of 0.480 (PP3 and BP4 not met). In summary, this variant meets the criteria to be classified as Pathogenic for autosomal recessive limb-girdle muscular dystrophy based on the ACMG/AMP criteria applied, as specified by the ClinGen LGMD VCEP (LGMD VCEP specifications version 1.0.0; 07/29/2025): PM3_Very Strong, PP4_Strong, PM2_Supporting.

Revvity Omics, Revvity
Classification: Likely pathogenic. Last evaluated: 2025-06-30. Review status: criteria provided, single submitter. Criteria: ACMG Guidelines, 2015. Collection method: clinical testing. Allele origin: germline. Not counted in ClinVar's aggregate classification.

Labcorp Genetics (formerly Invitae), Labcorp
Classification: Likely pathogenic for Neuromuscular disease caused by qualitative or quantitative defects of dysferlin. Last evaluated: 2025-05-16. Review status: criteria provided, single submitter. Criteria: Invitae Variant Classification Sherloc (09022015). Collection method: clinical testing. Allele origin: germline. Not counted in ClinVar's aggregate classification.
Comment: This sequence change replaces alanine, which is neutral and non-polar, with threonine, which is neutral and polar, at codon 2066 of the DYSF protein (p.Ala2066Thr). This variant is present in population databases (rs746663568, gnomAD 0.002%). This missense change has been observed in individual(s) with clinical features of dysferlinopathy (PMID: 21522182, 27066573, 32400077, 32528171, 34559919, 38057384; internal data). This variant is also known as c.6313G>A, p.A2105T. ClinVar contains an entry for this variant (Variation ID: 557110). Invitae Evidence Modeling of protein sequence and biophysical properties (such as structural, functional, and spatial information, amino acid conservation, physicochemical variation, residue mobility, and thermodynamic stability) indicates that this missense variant is not expected to disrupt DYSF protein function with a negative predictive value of 95%. In summary, the currently available evidence indicates that the variant is pathogenic, but additional data are needed to prove that conclusively. Therefore, this variant has been classified as Likely Pathogenic.

Women's Health and Genetics/Laboratory Corporation of America, LabCorp
Classification: Pathogenic for Autosomal recessive limb-girdle muscular dystrophy. Last evaluated: 2024-12-17. Review status: criteria provided, single submitter. Criteria: LabCorp Variant Classification Summary - May 2015. Collection method: clinical testing. Allele origin: germline. Not counted in ClinVar's aggregate classification.
Comment: Variant summary: DYSF c.6196G>A (p.Ala2066Thr) results in a non-conservative amino acid change in the encoded protein sequence. Three of five in-silico tools predict a damaging effect of the variant on protein function. The variant allele was found at a frequency of 1.2e-05 in 250566 control chromosomes (gnomAD). c.6196G>A has been reported in the literature in multiple individuals affected with Limb-Girdle Muscular Dystrophy, Autosomal Recessive or Miyoshi muscular dystrophy (e.g. Cacciottolo_2011, Arrigoni_2018, Izumi_2020, Topf_2020, Bardakov_2021, Zhong_2021). These data indicate that the variant is very likely to be associated with disease. The following publications have been ascertained in the context of this evaluation (PMID: 21522182, 30028523, 32528171, 35047756, 34559919, 32400077). ClinVar contains an entry for this variant (Variation ID: 557110). Based on the evidence outlined above, the variant was classified as pathogenic.

Blueprint Genetics
Classification: Uncertain significance. Last evaluated: 2024-11-20. Review status: criteria provided, single submitter. Criteria: ACMG Guidelines, 2015. Collection method: clinical testing. Allele origin: germline. Not counted in ClinVar's aggregate classification.

CeGaT Center for Human Genetics Tuebingen
Classification: Likely pathogenic. Last evaluated: 2024-09-01. Review status: criteria provided, single submitter. Criteria: CeGaT Center For Human Genetics Tuebingen Variant Classification Criteria Version 2. Collection method: clinical testing. Allele origin: germline. Affected: yes. Observed: 1 variant allele. Not counted in ClinVar's aggregate classification.
Comment: DYSF: PM3:Strong, PM2, PS3:Supporting, BP4

Natera, Inc.
Classification: Likely pathogenic for Limb-girdle muscular dystrophy type 2B. Last evaluated: 2024-07-08. Review status: criteria provided, single submitter. Criteria: Natera Variant Classification Schema (03/2026). Collection method: clinical testing. Allele origin: germline. Not counted in ClinVar's aggregate classification.
Comment: The c.6196G>A variant in DYSF is a missense variant predicted to cause substitution of alanine to threonine at amino acid 2066. This variant is rare in the general population with a frequency below the threshold expected for the associated phenotype(s). This variant has been observed in one or more individuals affected with the associated recessive disease, as either homozygous or compound heterozygous with a second variant (PMID: 21522182, 27066573, 38057384, 35047756). Computational prediction algorithms indicate this variant is likely to affect gene or protein function. Given the available evidence, this variant is classified as Likely Pathogenic.

Baylor Genetics
Classification: Pathogenic for Miyoshi muscular dystrophy 1. Last evaluated: 2024-02-20. Review status: criteria provided, single submitter. Criteria: ACMG Guidelines, 2015. Collection method: clinical testing. Allele origin: unknown. Not counted in ClinVar's aggregate classification.

Counsyl
Classification: Uncertain significance for Autosomal recessive limb-girdle muscular dystrophy type 2B. Last evaluated: 2018-03-09. Review status: no assertion criteria provided. Collection method: clinical testing. Allele origin: unknown. Not counted in ClinVar's aggregate classification.

Literature cited by the submitters: PubMed 21522182 (cited by 4 submitters); PubMed 27066573 (cited by 3 submitters); PubMed 32400077 (cited by Labcorp Genetics (formerly Invitae), Labcorp and Women's Health and Genetics/Laboratory Corporation of America, LabCorp); PubMed 32528171 (cited by Labcorp Genetics (formerly Invitae), Labcorp and Women's Health and Genetics/Laboratory Corporation of America, LabCorp); PubMed 34559919 (cited by Labcorp Genetics (formerly Invitae), Labcorp and Women's Health and Genetics/Laboratory Corporation of America, LabCorp); PubMed 38057384 (cited by Labcorp Genetics (formerly Invitae), Labcorp and Natera, Inc.); PubMed 35047756 (cited by Women's Health and Genetics/Laboratory Corporation of America, LabCorp and Natera, Inc.); PubMed 30028523 (cited by Women's Health and Genetics/Laboratory Corporation of America, LabCorp); PubMed 25312915 (cited by Counsyl).